The following is an entry in ClinVar:

ClinVar aggregate classification (germline): Conflicting classifications of pathogenicity. Review status: criteria provided, conflicting classifications (1 of 4 stars). 7 submissions from 7 submitters: Uncertain significance (2); Likely benign (4). 1 of the submissions does not count toward it. Last evaluated 2026-03-25.

Conditions:
B3GLCT-related disorder. Also called: B3GLCT-related condition.
Peters plus syndrome. Also called: KRAUSE-KIVLIN SYNDROME. Identifiers: Orphanet 709, MedGen C0796012, MONDO:0009856, OMIM 261540.

Allele frequency attached by ClinVar (database versions not stated): 1000 Genomes Project 30x 0.00094; 1000 Genomes Project 0.00100; gnomAD exomes 0.00126; ExAC 0.00137; TOPMed 0.00140; gnomAD 0.00143 and 0.00147; ESP Exome Variant Server 0.00215.
gnomAD v4.1: 3,972 of 1,614,176 alleles (0.25%); highest among the groups gnomAD compares: Non-Finnish European, 0.32%; 8 homozygotes.

Submissions (14):

Women's Health and Genetics/Laboratory Corporation of America, LabCorp
Classification: Likely benign. Last evaluated: 2026-03-25. Review status: criteria provided, single submitter. Criteria: LabCorp Variant Classification Summary - May 2015. Collection method: clinical testing. Allele origin: germline.

Labcorp Genetics (formerly Invitae), Labcorp
Classification: Likely benign for Peters plus syndrome. Last evaluated: 2026-01-05. Review status: criteria provided, single submitter. Criteria: Invitae Variant Classification Sherloc (09022015). Collection method: clinical testing. Allele origin: germline.

Blueprint Genetics
Classification: Likely benign. Last evaluated: 2024-10-31. Review status: criteria provided, single submitter. Criteria: ACMG Guidelines, 2015. Collection method: clinical testing. Allele origin: germline.

CeGaT Center for Human Genetics Tuebingen
Classification: Likely benign. Last evaluated: 2024-08-01. Review status: criteria provided, single submitter. Criteria: CeGaT Center For Human Genetics Tuebingen Variant Classification Criteria Version 2. Collection method: clinical testing. Allele origin: germline. Affected: yes. Observed: 6 variant alleles.
Comment: B3GLCT: BP4, BP7

Illumina Laboratory Services, Illumina
Classification: Uncertain significance for Peters plus syndrome. Last evaluated: 2018-01-13. Review status: criteria provided, single submitter. Criteria: ICSL Variant Classification Criteria 13 December 2019. Collection method: clinical testing. Allele origin: germline.

Eurofins Ntd Llc (ga)
Classification: Uncertain significance. Last evaluated: 2017-11-16. Review status: criteria provided, single submitter. Criteria: EGL Classification Definitions 2015. Collection method: clinical testing. Allele origin: germline. Observed: 1 variant allele, 1 heterozygote.

PreventionGenetics, part of Exact Sciences
Classification: Likely benign for B3GLCT-related condition. Last evaluated: 2022-09-09. Review status: no assertion criteria provided. Collection method: clinical testing. Allele origin: germline. Not counted in ClinVar's aggregate classification.
Comment: This variant is classified as likely benign based on ACMG/AMP sequence variant interpretation guidelines (Richards et al. 2015 PMID: 25741868, with internal and published modifications).

Dr. Peter K. Rogan Lab, Western University
No classification provided (evidence only). Condition: Clear cell carcinoma of kidney. Review status: no classification provided. Collection method: in vitro. Allele origin: not applicable. Functional consequence: retained intron. Not counted in ClinVar's aggregate classification.

Dr. Peter K. Rogan Lab, Western University
No classification provided (evidence only). Condition: Melanoma. Review status: no classification provided. Collection method: in vitro. Allele origin: not applicable. Functional consequence: retained intron. Not counted in ClinVar's aggregate classification.

Dr. Peter K. Rogan Lab, Western University
No classification provided (evidence only). Condition: Melanoma. Review status: no classification provided. Collection method: in vitro. Allele origin: not applicable. Functional consequence: retained intron. Not counted in ClinVar's aggregate classification.

Dr. Peter K. Rogan Lab, Western University
No classification provided (evidence only). Condition: Familial cancer of breast. Review status: no classification provided. Collection method: in vitro. Allele origin: not applicable. Functional consequence: retained intron. Not counted in ClinVar's aggregate classification.

Dr. Peter K. Rogan Lab, Western University
No classification provided (evidence only). Condition: Familial cancer of breast. Review status: no classification provided. Collection method: in vitro. Allele origin: not applicable. Functional consequence: retained intron. Not counted in ClinVar's aggregate classification.

Dr. Peter K. Rogan Lab, Western University
No classification provided (evidence only). Condition: Familial cancer of breast. Review status: no classification provided. Collection method: in vitro. Allele origin: not applicable. Functional consequence: retained intron. Not counted in ClinVar's aggregate classification.

Dr. Peter K. Rogan Lab, Western University
No classification provided (evidence only). Condition: Cervical cancer. Review status: no classification provided. Collection method: in vitro. Allele origin: not applicable. Functional consequence: retained intron. Not counted in ClinVar's aggregate classification.

NM_194318.4(B3GLCT):c.1371A>G (p.Gln457=)

Gene: B3GLCT (beta 3-glucosyltransferase; plus strand). Cytogenetic location: 13q12.3.
Variant type: single nucleotide variant.
Coding change: c.1371A>G on transcript NM_194318.4 (MANE Select); coding-DNA position 1371, A replaced by G.
Protein change: p.Gln457=; no amino-acid change (glutamine 457 retained).
Molecular consequence: synonymous variant.
Genome position (GRCh38, 1-based): chr13:31,329,542, A>G. VCF-style: chr13-31329542-A-G. GRCh37 (hg19) VCF-style: chr13-31903679-A-G.
Identifiers: ClinVar variation 594795 (VCV000594795.48), dbSNP rs114941150, ClinGen allele CA6936922.